The following is an entry in ClinVar:

ClinVar aggregate classification (germline): Conflicting classifications of pathogenicity. Review status: criteria provided, conflicting classifications (1 of 4 stars). 3 submissions from 3 submitters: Uncertain significance (2); Likely benign (1). Last evaluated 2025-12-01.

Conditions:
Inborn genetic diseases. Identifiers: MedGen C0950123, MeSH D030342.
Aicardi-Goutieres syndrome 7 (AGS7). Identifiers: Orphanet 51, MedGen C3888244, MONDO:0014367, OMIM 615846.
Singleton-Merten syndrome 1 (SGMRT1). Also called: Widened medullary cavities of bone, aortic calcification, abnormal dentition, and muscular weakness; Syndrome of widened medullary cavities of the metacarpals and phalanges, aortic calcification and abnormal dentition. Identifiers: Orphanet 85191, MedGen C4225427, MONDO:0024535, OMIM 182250.

Allele frequency attached by ClinVar (database versions not stated): gnomAD exomes 0.00002; ExAC 0.00004; 1000 Genomes Project 0.00020; gnomAD 0.00002; 1000 Genomes Project 30x 0.00016.
gnomAD v4.1: 35 of 1,613,846 alleles (0.0022%); highest among the groups gnomAD compares: South Asian, 0.035%; 1 homozygote.

Submissions (3):

Labcorp Genetics (formerly Invitae), Labcorp
Classification: Likely benign for Aicardi-Goutieres syndrome 7; Singleton-Merten syndrome 1. Last evaluated: 2025-12-01. Review status: criteria provided, single submitter. Criteria: Invitae Variant Classification Sherloc (09022015). Collection method: clinical testing. Allele origin: germline.

Mayo Clinic Laboratories, Mayo Clinic
Classification: Uncertain significance. Last evaluated: 2025-11-08. Review status: criteria provided, single submitter. Criteria: ACMG Guidelines, 2015. Collection method: clinical testing. Allele origin: germline. Observed: 1 variant allele.
Comment: BP4_moderate

Ambry Genetics
Classification: Uncertain significance for Inborn genetic diseases. Last evaluated: 2025-01-16. Review status: criteria provided, single submitter. Criteria: Ambry Variant Classification Scheme 2023. Collection method: clinical testing. Allele origin: germline.

NM_022168.4(IFIH1):c.743C>G (p.Ser248Cys)

Gene: IFIH1 (interferon induced with helicase C domain 1; minus strand). Cytogenetic location: 2q24.2.
Variant type: single nucleotide variant.
Coding change: c.743C>G on transcript NM_022168.4 (MANE Select); coding-DNA position 743, C replaced by G.
Protein change: p.Ser248Cys; replaces serine 248 with cysteine.
Molecular consequence: missense variant.
Genome position (GRCh38, 1-based): chr2:162,306,735, G>C on the plus strand (C>G on the coding strand, the complement: IFIH1 is on the minus strand). VCF-style: chr2-162306735-G-C. GRCh37 (hg19) VCF-style: chr2-163163245-G-C.
Other names: p.Ser248Cys; c.743C>G (NM_022168.2); short protein forms S248C.
Identifiers: ClinVar variation 2183410 (VCV002183410.6), dbSNP rs556015191, ClinGen allele CA1934728.
Genomic context (GRCh38, chr2:162,306,735, plus strand): 5'-TTACTGTATTAAAGTACGTATGTGTTTCAAGTACCTGAAACTACAGAAGAATCTGCAAAA[G>C]ATGATTCTGATGAGTTATTCTCCATGCCCCAGACCTCCTTCTCCAGATTTGGCTGAACTG-3'
Protein context (NP_071451.2, residues 238-258): WGMENNSSES[Ser248Cys]FADSSVVSES